The following is an entry in ClinVar:

ClinVar aggregate classification (germline): Uncertain significance (1 of 4 stars; one submission).

Conditions:
X-linked immunodeficiency with magnesium defect, Epstein-Barr virus infection and neoplasia. Identifiers: Orphanet 317476, MedGen C3275445, MONDO:0010455, OMIM 300853.

gnomAD v4.1: 5 of 1,210,278 alleles (0.00041%); highest among the groups gnomAD compares: African/African-American, 0.0017%; no homozygotes.

Submission:

Labcorp Genetics (formerly Invitae), Labcorp
Classification: Uncertain significance for X-linked immunodeficiency with magnesium defect, Epstein-Barr virus infection and neoplasia. Last evaluated: 2025-08-31. Review status: criteria provided, single submitter. Criteria: Invitae Variant Classification Sherloc (09022015). Collection method: clinical testing. Allele origin: germline.
Comment: This sequence change replaces glutamine, which is neutral and polar, with arginine, which is basic and polar, at codon 118 of the MAGT1 protein (p.Gln118Arg). This variant is present in population databases (no rsID available, gnomAD 0.001%), including at least one homozygous and/or hemizygous individual. This variant has not been reported in the literature in individuals affected with MAGT1-related conditions. ClinVar contains an entry for this variant (Variation ID: 3706338). Invitae Evidence Modeling of protein sequence and biophysical properties (such as structural, functional, and spatial information, amino acid conservation, physicochemical variation, residue mobility, and thermodynamic stability) indicates that this missense variant is not expected to disrupt MAGT1 protein function with a negative predictive value of 80%. Algorithms developed to predict the effect of sequence changes on RNA splicing suggest that this variant may create or strengthen a splice site. In summary, the available evidence is currently insufficient to determine the role of this variant in disease. Therefore, it has been classified as a Variant of Uncertain Significance.

NM_001367916.1(MAGT1):c.257A>G (p.Gln86Arg)

Gene: MAGT1 (magnesium transporter 1; minus strand). Cytogenetic location: Xq21.1.
Variant type: single nucleotide variant.
Coding change: c.257A>G on transcript NM_001367916.1 (MANE Select); coding-DNA position 257, A replaced by G.
Protein change: p.Gln86Arg; replaces glutamine 86 with arginine.
Molecular consequence: missense variant.
Genome position (GRCh38, 1-based): chrX:77,875,443, T>C on the plus strand (A>G on the coding strand, the complement: MAGT1 is on the minus strand). VCF-style: chrX-77875443-T-C. GRCh37 (hg19) VCF-style: chrX-77130940-T-C.
Other names: c.353A>G, p.Gln118Arg (NM_032121.5); short protein forms Q86R, Q118R.
Identifiers: ClinVar variation 3706338 (VCV003706338.2).